The following is an entry in ClinVar:

NM_001083962.2(TCF4):c.1553del (p.Glu518fs)

Gene: TCF4 (transcription factor 4; minus strand). Cytogenetic location: 18q21.2.
Variant type: Deletion.
Coding change: c.1553del on transcript NM_001083962.2 (MANE Select); coding-DNA position 1553, one base deleted (A; older notation c.1553delA).
Protein change: p.Glu518fs; shifts the reading frame from glutamic acid 518.
Molecular consequence: frameshift variant.
Genome position (GRCh38, 1-based): chr18:55,232,605, T deleted on the plus strand (A on the coding strand, the reverse complement: TCF4 is on the minus strand). VCF-style (leftmost placement, unchanged base first): chr18-55232604-CT-C. GRCh37 (hg19) VCF-style: chr18-52899835-CT-C.
Other names: c.1859del, p.Glu620fs (NM_001243226.3); c.1481del, p.Glu494fs (NM_001243227.2, NM_001306207.1, NM_001348217.1 and 5 more transcripts); c.1571del, p.Glu524fs (NM_001243228.2); c.1544del, p.Glu515fs (NM_001243230.2); c.1427del, p.Glu476fs (NM_001243231.2, NM_001348211.2); c.1340del, p.Glu447fs (NM_001243232.1, NM_001306208.1); c.1163del, p.Glu388fs (NM_001243233.2, NM_001330605.3, NM_001348212.2 and 1 more transcripts); c.1073del, p.Glu358fs (NM_001243234.2, NM_001243235.2, NM_001243236.2 and 1 more transcripts); and 6 more; short protein forms E357fs, E515fs, E358fs, E493fs, E620fs, E388fs, E447fs, E494fs.
Identifiers: ClinVar variation 422974 (VCV000422974.2), dbSNP rs1064796134, ClinGen allele CA16620713.
Genomic context (GRCh38, chr18:55,232,604, plus strand): 5'-CTTGTCGTCATCTAATTTCTTGTCCTCCGAAGATTTCGTGTCTTGCAGGTTCTCATCACC[CT>C]CGTCATCGGATTTGATCTCAGAGCTGCCAGAGGAGACACTCTGCCCCTGTAGTCCTGGTG-3'

ClinVar aggregate classification (germline): Likely pathogenic (1 of 4 stars; one submission).

Submission:

GeneDx
Classification: Likely pathogenic. Last evaluated: 2017-01-16. Review status: criteria provided, single submitter. Criteria: GeneDx Variant Classification (06012015). Collection method: clinical testing. Allele origin: germline. Affected: yes.
Comment: The c.1553delA variant in the TCF4 gene has not been reported previously as a pathogenic variant nor as a benign variant, to our knowledge. The c.1553delA variant causes a frameshift starting with codon Glutamic acid 518, changes this amino acid to a Glycine residue, and creates a premature Stop codon at position 17 of the new reading frame, denoted p.Glu518GlyfsX17. This variant is predicted to cause loss of normal protein function either through protein truncation or nonsense-mediated mRNA decay. The c.1553delA variant was not observed in approximately 6,500 individuals of European and African American ancestry in the NHLBI Exome Sequencing Project, indicating it is not a common benign variant in these populations. We interpret c.1553delA as a likely pathogenic variant.